The following is an entry in ClinVar:

ClinVar aggregate classification (germline): Likely pathogenic (1 of 4 stars; one submission).

Conditions:
Alstrom syndrome (ALMS). Identifiers: Orphanet 64, MedGen C0268425, MONDO:0008763, OMIM 203800.

Submission:

Women's Health and Genetics/Laboratory Corporation of America, LabCorp
Classification: Likely pathogenic for Alstrom syndrome. Last evaluated: 2022-06-14. Review status: criteria provided, single submitter. Criteria: LabCorp Variant Classification Summary - May 2015. Collection method: clinical testing. Allele origin: germline.
Comment: Variant summary: The variant identified by MLPA or other technology involves the deletion of exon 16 in the ALMS1 gene. A presumed nomenclature of c.(10381+1_10382-1)_(11544+1_11545-1)del has been designated for the purposes of this classification. Although exact breakpoints of this deletion are not known, it is expected to result in a frameshift in the ALMS1 gene, a known mechanism of disease. The variant was absent in 21694 control chromosomes (gnomAD Structural Variants dataset). To our knowledge, no occurrence of c.(10381+1_10382-1)_(11544+1_11545-1)del in individuals affected with Alstrom Syndrome and no experimental evidence demonstrating its impact on protein function have been reported. No clinical diagnostic laboratories have submitted clinical-significance assessments for this variant to ClinVar after 2014. Based on the evidence outlined above, the variant was classified as likely pathogenic.

NC_000002.11:g.(73786270_73799388)_(73800552_73826527)del

Gene: ALMS1 (ALMS1 centrosome and basal body associated protein; plus strand). Cytogenetic location: 2p13.1.
Variant type: Deletion.
Identifiers: ClinVar variation 1698557 (VCV001698557.1).